The following is an entry in ClinVar:

NM_001127511.3(APC):c.-202C>T

Genes: APC (APC regulator of Wnt signaling pathway; plus strand), LOC129994371 (ATAC-STARR-seq lymphoblastoid active region 22910; plus strand). Cytogenetic location: 5q22.2.
Variant type: single nucleotide variant.
Coding change: c.-202C>T on transcript NM_001127511.3; 202 bases upstream of the start codon, C replaced by T.
Molecular consequence: 5 prime UTR variant. On other transcripts: non-coding transcript variant (2).
Genome position (GRCh38, 1-based): chr5:112,707,516, C>T. VCF-style: chr5-112707516-C-T. GRCh37 (hg19) VCF-style: chr5-112043213-C-T.
Other names: c.-385C>T (NM_001354895.2, NM_001407447.1, NM_001407452.1 and 3 more transcripts); c.-202C>T (NM_001354897.2, NM_001354902.2, NM_001407446.1); c.-152C>T (NM_001407448.1, NM_001407450.1, NM_001407457.1 and 1 more transcripts); c.-176C>T (NM_001407453.1); c.-1420C>T (NM_001407470.1, NM_001407472.1).
Identifiers: ClinVar variation 3646924 (VCV003646924.2).
Genomic context (GRCh38, chr5:112,707,516, plus strand): 5'-GTCTCCGGGCTGTGGGAAGCCAGCAACACCTCTCACGCATGCGCATTGTAGTCTTCCCAC[C>T]TCCCACAAGATGGCGGAGGGCAAGTAGCAAGGGGGCGGGGTGTGGCCGCCGGAAGCCTAG-3'

ClinVar aggregate classification (germline): Uncertain significance (1 of 4 stars; one submission).

Conditions:
Familial adenomatous polyposis 1 (FAP1). Also called: FAMILIAL ADENOMATOUS POLYPOSIS 1, ATTENUATED; POLYPOSIS, ADENOMATOUS INTESTINAL. Identifiers: MedGen C2713442, MONDO:0021056, OMIM 175100. Disease mechanism: loss of function.

gnomAD v4.1: 1 of 466,428 alleles (0.00021%); highest among the groups gnomAD compares: Non-Finnish European, 0.00039%; no homozygotes.

Submission:

Labcorp Genetics (formerly Invitae), Labcorp
Classification: Uncertain significance for Familial adenomatous polyposis 1. Last evaluated: 2024-03-20. Review status: criteria provided, single submitter. Criteria: Invitae Variant Classification Sherloc (09022015). Collection method: clinical testing. Allele origin: germline.
Comment: This variant occurs in a non-coding region of the APC gene. It does not change the encoded amino acid sequence of the APC protein. This variant is not present in population databases (gnomAD no frequency). This variant has not been reported in the literature in individuals affected with APC-related conditions. Experimental studies and prediction algorithms are not available or were not evaluated, and the functional significance of this variant is currently unknown. In summary, the available evidence is currently insufficient to determine the role of this variant in disease. Therefore, it has been classified as a Variant of Uncertain Significance.